The following is an entry in ClinVar:

ClinVar aggregate classification (germline): Benign/Likely benign. Review status: criteria provided, multiple submitters, no conflicts (2 of 4 stars). 10 submissions from 9 submitters: Benign (3); Likely benign (5). 2 of the submissions do not count toward it. Last evaluated 2026-01-28.

Conditions:
RYR1-related disorder. Also called: RYR1-related disorders; RYR1-related condition. Identifiers: MedGen CN239331.
Malignant hyperthermia, susceptibility to, 1 (MHS1). Also called: Anesthesia related hyperthermia; Malignant hyperpyrexia; Fulminating hyperpyrexia; Pharmacogenic myopathy; Malignant hyperthermia suceptibility 1; RYR1-Related Malignant Hyperthermia Susceptibility. Identifiers: Orphanet 423, MedGen C2930980, MONDO:0007783, OMIM 145600.
Congenital multicore myopathy with external ophthalmoplegia (CMYO1B). Also called: Minicore myopathy with external ophthalmoplegia; MULTIMINICORE DISEASE WITH EXTERNAL OPHTHALMOPLEGIA; MULTICORE MYOPATHY; Congenital myopathy 1B, autosomal recessive; Minicore myopathy. Identifiers: Orphanet 598, Orphanet 98905, MedGen C1850674, MONDO:0009712, OMIM 255320, HP:0003789.

Allele frequency attached by ClinVar (database versions not stated): ESP Exome Variant Server 0.00008; gnomAD 0.00013 and 0.00016; gnomAD exomes 0.00016 and 0.00033; TOPMed 0.00016; ExAC 0.00028; 1000 Genomes Project 0.00100; 1000 Genomes Project 30x 0.00109.
gnomAD v4.1: 249 of 1,614,156 alleles (0.015%); highest among the groups gnomAD compares: East Asian, 0.5%; no homozygotes.

Submissions (10):

Labcorp Genetics (formerly Invitae), Labcorp
Classification: Benign for RYR1-related disorder. Last evaluated: 2026-01-28. Review status: criteria provided, single submitter. Criteria: Invitae Variant Classification Sherloc (09022015). Collection method: clinical testing. Allele origin: germline.

Mayo Clinic Laboratories, Mayo Clinic
Classification: Likely benign. Last evaluated: 2025-08-25. Review status: criteria provided, single submitter. Criteria: ACMG Guidelines, 2015. Collection method: clinical testing. Allele origin: germline. Observed: 1 variant allele.
Comment: BS1, BP4, BP7

Blueprint Genetics
Classification: Likely benign. Last evaluated: 2024-10-29. Review status: criteria provided, single submitter. Criteria: ACMG Guidelines, 2015. Collection method: clinical testing. Allele origin: germline.

All of Us Research Program, National Institutes of Health
Classification: Benign for Malignant hyperthermia, susceptibility to, 1. Last evaluated: 2024-01-11. Review status: criteria provided, single submitter. Criteria: ACMG Guidelines, 2015. Collection method: clinical testing. Allele origin: germline. Inheritance: Autosomal dominant inheritance. Observed: 28 variant alleles, 28 heterozygotes.
Comment: This study involves interpretation of variants in research participants for the purpose of population health screening. Participant phenotype was not available at the time of variant classification. Additional details can be found in publication PMID: 35346344, PMCID: PMC8962531

Color Diagnostics, LLC DBA Color Health
Classification: Benign for Malignant hyperthermia, susceptibility to, 1. Last evaluated: 2022-05-03. Review status: criteria provided, single submitter. Criteria: ACMG Guidelines, 2015. Collection method: clinical testing. Allele origin: germline.

GeneDx
Classification: Likely benign. Last evaluated: 2019-03-13. Review status: criteria provided, single submitter. Criteria: GeneDx Variant Classification Process June 2021. Collection method: clinical testing. Allele origin: germline. Affected: yes.
Comment: This variant is associated with the following publications: (PMID: 19513315)

Illumina Laboratory Services, Illumina
Classification: Likely benign for Congenital multicore myopathy with external ophthalmoplegia. Last evaluated: 2018-01-12. Review status: criteria provided, single submitter. Criteria: ICSL Variant Classification Criteria 13 December 2019. Collection method: clinical testing. Allele origin: germline.
Comment: This variant was observed in the ICSL laboratory as part of a predisposition screen in an ostensibly healthy population. It had not been previously curated by ICSL or reported in the Human Gene Mutation Database (HGMD: prior to June 1st, 2018), and was therefore a candidate for classification through an automated scoring system. Utilizing variant allele frequency, disease prevalence and penetrance estimates, and inheritance mode, an automated score was calculated to assess if this variant is too frequent to cause the disease. Based on the score and internal cut-off values, a variant classified as likely benign is not then subjected to further curation. The score for this variant resulted in a classification of likely benign for this disease.

Illumina Laboratory Services, Illumina
Classification: Likely benign for Malignant hyperthermia, susceptibility to, 1. Last evaluated: 2018-01-12. Review status: criteria provided, single submitter. Criteria: ICSL Variant Classification Criteria 13 December 2019. Collection method: clinical testing. Allele origin: germline.
Comment: the same text as in the submission from Illumina Laboratory Services, Illumina above.

PreventionGenetics, part of Exact Sciences
Classification: Likely benign for RYR1-related condition. Last evaluated: 2019-08-21. Review status: no assertion criteria provided. Collection method: clinical testing. Allele origin: germline. Not counted in ClinVar's aggregate classification.
Comment: This variant is classified as likely benign based on ACMG/AMP sequence variant interpretation guidelines (Richards et al. 2015 PMID: 25741868, with internal and published modifications).

RYR1 database
No classification provided. Review status: no classification provided. Collection method: not provided. Allele origin: unknown. Not counted in ClinVar's aggregate classification.

Literature cited by the submitters: PubMed 19513315 (cited by Mayo Clinic Laboratories, Mayo Clinic).

NM_000540.3(RYR1):c.2223C>T (p.Asp741=)

Gene: RYR1 (ryanodine receptor 1; plus strand). Cytogenetic location: 19q13.2.
Variant type: single nucleotide variant.
Coding change: c.2223C>T on transcript NM_000540.3 (MANE Select); coding-DNA position 2223, C replaced by T.
Protein change: p.Asp741=; no amino-acid change (aspartic acid 741 retained).
Molecular consequence: synonymous variant.
Genome position (GRCh38, 1-based): chr19:38,459,201, C>T. VCF-style: chr19-38459201-C-T. GRCh37 (hg19) VCF-style: chr19-38949841-C-T.
Other names: p.Asp741=; c.2223C>T, p.Asp741= (NM_001042723.2).
Identifiers: ClinVar variation 133114 (VCV000133114.31), dbSNP rs150831055, ClinGen allele CA024339.